The following is an entry in ClinVar:

ClinVar aggregate classification (germline): Uncertain significance. Review status: criteria provided, multiple submitters, no conflicts (2 of 4 stars). 4 submissions from 4 submitters: Uncertain significance (4). Last evaluated 2025-10-05.

Conditions:
Hereditary diffuse gastric adenocarcinoma (HDGC). Also called: DIFFUSE GASTRIC AND LOBULAR BREAST CANCER SYNDROME. Identifiers: Orphanet 26106, MedGen C1708349, MONDO:0007648, OMIM 137215.
Hereditary cancer-predisposing syndrome. Also called: Hereditary neoplastic syndrome; Tumor predisposition; Hereditary Cancer Syndrome; Neoplastic Syndromes, Hereditary. Identifiers: Orphanet 140162, MedGen C0027672, MeSH D009386, MONDO:0015356.

Allele frequency attached by ClinVar (database versions not stated): gnomAD exomes below 0.00001; gnomAD 0.00001; TOPMed 0.00001; ESP Exome Variant Server 0.00010.
gnomAD v4.1: 4 of 1,536,874 alleles (0.00026%); highest among the groups gnomAD compares: African/African-American, 0.0027%; no homozygotes.

Submissions (4):

Ambry Genetics
Classification: Uncertain significance for Hereditary cancer-predisposing syndrome. Last evaluated: 2025-10-05. Review status: criteria provided, single submitter. Criteria: Ambry Variant Classification Scheme 2023. Collection method: clinical testing. Allele origin: germline.
Comment: The p.L15Q variant (also known as c.44T>A), located in coding exon 1 of the CDH1 gene, results from a T to A substitution at nucleotide position 44. The leucine at codon 15 is replaced by glutamine, an amino acid with dissimilar properties. This amino acid position is highly conserved in available vertebrate species. In addition, this alteration is predicted to be tolerated by in silico analysis. Since supporting evidence is limited at this time, the clinical significance of this alteration remains unclear.

GeneDx
Classification: Uncertain significance. Last evaluated: 2022-10-20. Review status: criteria provided, single submitter. Criteria: GeneDx Variant Classification Process June 2021. Collection method: clinical testing. Allele origin: germline. Affected: yes.
Comment: Not observed at significant frequency in large population cohorts (gnomAD); In silico analysis supports that this missense variant does not alter protein structure/function; Has not been previously published as pathogenic or benign to our knowledge; This variant is associated with the following publications: (PMID: 15235021)

Sema4
Classification: Uncertain significance for Hereditary cancer-predisposing syndrome. Last evaluated: 2022-01-22. Review status: criteria provided, single submitter. Criteria: Sema4 Curation Guidelines. Collection method: curation. Allele origin: germline.
Comment: The CDH1 c.44T>A (p.L15Q) variant has not been reported in the literature to our knowledge. This variant is not reported in the population database Genome Aggregation Database (PMID: 32461654), however quality metrics indicate poor data quality and thus this data is not reliable. This variant has been reported in ClinVar (Variation ID 576714). Functional studies have not been performed, and in silico predictions of the variant's effect on protein function are inconclusive. The evidence is insufficient to meet ACMG/AMP criteria for classifying the variant as benign or pathogenic. Thus, the clinical significance of this variant is currently uncertain.

Labcorp Genetics (formerly Invitae), Labcorp
Classification: Uncertain significance for Hereditary diffuse gastric adenocarcinoma. Last evaluated: 2021-12-11. Review status: criteria provided, single submitter. Criteria: Invitae Variant Classification Sherloc (09022015). Collection method: clinical testing. Allele origin: germline.
Comment: This sequence change replaces leucine, which is neutral and non-polar, with glutamine, which is neutral and polar, at codon 15 of the CDH1 protein (p.Leu15Gln). This variant is not present in population databases (gnomAD no frequency). In summary, the available evidence is currently insufficient to determine the role of this variant in disease. Therefore, it has been classified as a Variant of Uncertain Significance. Algorithms developed to predict the effect of sequence changes on RNA splicing suggest that this variant may create or strengthen a splice site. Algorithms developed to predict the effect of missense changes on protein structure and function are either unavailable or do not agree on the potential impact of this missense change (SIFT: "Deleterious"; PolyPhen-2: "Benign"; Align-GVGD: "Class C0"). ClinVar contains an entry for this variant (Variation ID: 576714). This variant has not been reported in the literature in individuals affected with CDH1-related conditions.

NM_004360.5(CDH1):c.44T>A (p.Leu15Gln)

Gene: CDH1 (cadherin 1; plus strand). Cytogenetic location: 16q22.1.
Variant type: single nucleotide variant.
Coding change: c.44T>A on transcript NM_004360.5 (MANE Select); coding-DNA position 44, T replaced by A.
Protein change: p.Leu15Gln; replaces leucine 15 with glutamine.
Molecular consequence: missense variant. On other transcripts: 5 prime UTR variant (2).
Genome position (GRCh38, 1-based): chr16:68,737,459, T>A. VCF-style: chr16-68737459-T-A. GRCh37 (hg19) VCF-style: chr16-68771362-T-A.
Other names: c.44T>A, p.Leu15Gln (NM_001317184.2); c.-1572T>A (NM_001317185.2); c.-1776T>A (NM_001317186.2); c.44T>A (LRG_301t1); short protein forms L15Q.
Identifiers: ClinVar variation 576714 (VCV000576714.12), dbSNP rs370614162, ClinGen allele CA283273479.
Genomic context (GRCh38, chr16:68,737,459, plus strand): 5'-GGCGTCCCCGGCCAGCCATGGGCCCTTGGAGCCGCAGCCTCTCGGCGCTGCTGCTGCTGC[T>A]GCAGGTACCCCGGATCCCCTGACTTGCGAGGGACGCATTCGGGCCGCAAGCTCCGCGCCC-3'
Protein context (NP_004351.1, residues 5-25): SRSLSALLLL[Leu15Gln]QVSSWLCQEP